The following is an entry in ClinVar:

NM_001366110.1(PAX4):c.914G>A (p.Gly305Asp)

Gene: PAX4 (paired box 4; minus strand). Cytogenetic location: 7q32.1.
Variant type: single nucleotide variant.
Coding change: c.914G>A on transcript NM_001366110.1 (MANE Select); coding-DNA position 914, G replaced by A.
Protein change: p.Gly305Asp; replaces glycine 305 with aspartic acid.
Molecular consequence: missense variant. On other transcripts: intron variant (1).
Genome position (GRCh38, 1-based): chr7:127,611,206, C>T on the plus strand (G>A on the coding strand, the complement: PAX4 is on the minus strand). VCF-style: chr7-127611206-C-T. GRCh37 (hg19) VCF-style: chr7-127251260-C-T.
Other names: c.914-221G>A (NM_001366111.1); short protein forms G305D.
Identifiers: ClinVar variation 1524214 (VCV001524214.8), dbSNP rs2117446307, ClinGen allele CA369166730.

ClinVar aggregate classification (germline): Uncertain significance (1 of 4 stars; one submission).

Allele frequency attached by ClinVar (database versions not stated): gnomAD exomes below 0.00001.
gnomAD v4.1: 2 of 1,595,006 alleles (0.00013%); highest among the groups gnomAD compares: East Asian, 0.0023%; no homozygotes.

Submission:

Labcorp Genetics (formerly Invitae), Labcorp
Classification: Uncertain significance. Last evaluated: 2021-04-08. Review status: criteria provided, single submitter. Criteria: Invitae Variant Classification Sherloc (09022015). Collection method: clinical testing. Allele origin: germline.
Comment: This sequence change replaces glycine with aspartic acid at codon 297 of the PAX4 protein (p.Gly297Asp). The glycine residue is weakly conserved and there is a moderate physicochemical difference between glycine and aspartic acid. This variant is not present in population databases (ExAC no frequency). In summary, the available evidence is currently insufficient to determine the role of this variant in disease. Therefore, it has been classified as a Variant of Uncertain Significance. Algorithms developed to predict the effect of missense changes on protein structure and function (SIFT, PolyPhen-2, Align-GVGD) all suggest that this variant is likely to be tolerated, but these predictions have not been confirmed by published functional studies and their clinical significance is uncertain. This variant has not been reported in the literature in individuals with PAX4-related conditions.